The following is an entry in ClinVar:

ClinVar aggregate classification (germline): Uncertain significance (1 of 4 stars; one submission).

Conditions:
Arrhythmogenic right ventricular dysplasia 11. Also called: Arrhythmogenic right ventricular dysplasia 11 with mild palmoplantar keratoderma and woolly hair; Arrhythmogenic Right Ventricular Dysplasia/Cardiomyopathy11; ARRHYTHMOGENIC RIGHT VENTRICULAR DYSPLASIA, FAMILIAL, 11. Identifiers: MedGen C1864850, MONDO:0012506, OMIM 610476.

Allele frequency attached by ClinVar (database versions not stated): gnomAD exomes below 0.00001.
gnomAD v4.1: 1 of 1,614,110 alleles (0.000062%); highest among the groups gnomAD compares: Non-Finnish European, 0.000085%; no homozygotes.

Submission:

Labcorp Genetics (formerly Invitae), Labcorp
Classification: Uncertain significance for Arrhythmogenic right ventricular dysplasia 11. Last evaluated: 2023-11-27. Review status: criteria provided, single submitter. Criteria: Invitae Variant Classification Sherloc (09022015). Collection method: clinical testing. Allele origin: germline.
Comment: This sequence change replaces glutamine, which is neutral and polar, with histidine, which is basic and polar, at codon 843 of the DSC2 protein (p.Gln843His). This variant is not present in population databases (gnomAD no frequency). This variant has not been reported in the literature in individuals affected with DSC2-related conditions. ClinVar contains an entry for this variant (Variation ID: 1489433). An algorithm developed to predict the effect of missense changes on protein structure and function (PolyPhen-2) suggests that this variant is likely to be disruptive. In summary, the available evidence is currently insufficient to determine the role of this variant in disease. Therefore, it has been classified as a Variant of Uncertain Significance.

NM_024422.6(DSC2):c.2529A>C (p.Gln843His)

Gene: DSC2 (desmocollin 2; minus strand). Cytogenetic location: 18q12.1.
Variant type: single nucleotide variant.
Coding change: c.2529A>C on transcript NM_024422.6 (MANE Select); coding-DNA position 2529, A replaced by C.
Protein change: p.Gln843His; replaces glutamine 843 with histidine.
Molecular consequence: missense variant. On other transcripts: 3 prime UTR variant (1).
Genome position (GRCh38, 1-based): chr18:31,068,192, T>G on the plus strand (A>C on the coding strand, the complement: DSC2 is on the minus strand). VCF-style: chr18-31068192-T-G. GRCh37 (hg19) VCF-style: chr18-28648158-T-G.
Other names: c.*31A>C (NM_004949.5); short protein forms Q843H.
Identifiers: ClinVar variation 1489433 (VCV001489433.8), dbSNP rs2144781418, ClinGen allele CA402110867.
Genomic context (GRCh38, chr18:31,068,192, plus strand): 5'-TCCTCTTCCTTCATAGTTATATGTCAGGACATAGTCTTGGGCATGCTTGTGATTTTCATC[T>G]TGATTACACAGATACACTTTCTGCCAAGGGGAAAAACACAACGTTTTTATTATTATTATT-3'
Protein context (NP_077740.1, residues 833-853): RLGEKVYLCN[Gln843His]DENHKHAQDY